The following is an entry in ClinVar:

ClinVar aggregate classification (germline): Likely benign. Review status: criteria provided, multiple submitters, no conflicts (2 of 4 stars). 4 submissions from 4 submitters: Likely benign (3). 1 of the submissions does not count toward it. Last evaluated 2024-02-01.

Conditions:
KATNAL2-related disorder. Also called: KATNAL2-related condition.

Allele frequency attached by ClinVar (database versions not stated): 1000 Genomes Project 0.00180; 1000 Genomes Project 30x 0.00203; ExAC 0.00251; gnomAD exomes 0.00268; gnomAD 0.00286; TOPMed 0.00313; ESP Exome Variant Server 0.00377.
gnomAD v4.1: 5,041 of 1,613,018 alleles (0.31%); highest among the groups gnomAD compares: Admixed American, 0.47%; 5 homozygotes.

Submissions (5):

CeGaT Center for Human Genetics Tuebingen
Classification: Likely benign. Last evaluated: 2024-02-01. Review status: criteria provided, single submitter. Criteria: CeGaT Center For Human Genetics Tuebingen Variant Classification Criteria Version 2. Collection method: clinical testing. Allele origin: germline. Affected: yes. Observed: 3 variant alleles.
Comment: KATNAL2: BP4, BS2

Ambry Genetics
Classification: Likely benign. Last evaluated: 2019-01-15. Review status: criteria provided, single submitter. Criteria: Ambry Variant Classification Scheme 2023. Collection method: clinical testing. Allele origin: germline.

Labcorp Genetics (formerly Invitae), Labcorp
Classification: Likely benign. Last evaluated: 2018-07-06. Review status: criteria provided, single submitter. Criteria: Invitae Variant Classification Sherloc (09022015). Collection method: clinical testing. Allele origin: germline.

PreventionGenetics, part of Exact Sciences
Classification: Likely benign for KATNAL2-related condition. Last evaluated: 2023-10-10. Review status: no assertion criteria provided. Collection method: clinical testing. Allele origin: germline. Not counted in ClinVar's aggregate classification.
Comment: This variant is classified as likely benign based on ACMG/AMP sequence variant interpretation guidelines (Richards et al. 2015 PMID: 25741868, with internal and published modifications).

Dr. Peter K. Rogan Lab, Western University
No classification provided (evidence only). Condition: Acute myeloid leukemia. Review status: no classification provided. Collection method: in vitro. Allele origin: not applicable. Functional consequence: retained intron. Not counted in ClinVar's aggregate classification.

NM_001387690.1(KATNAL2):c.649-3C>T

Gene: KATNAL2 (katanin catalytic subunit A1 like 2; plus strand). Cytogenetic location: 18q21.1.
Variant type: single nucleotide variant.
Coding change: c.649-3C>T on transcript NM_001387690.1 (MANE Select); 3 bases into the intron before coding-DNA position 649, C replaced by T.
Molecular consequence: intron variant.
Genome position (GRCh38, 1-based): chr18:47,063,281, C>T. VCF-style: chr18-47063281-C-T. GRCh37 (hg19) VCF-style: chr18-44589652-C-T.
Other names: NC_000018.9:g.44589652C>T; c.316-3C>T (NM_001353904.1, NM_001353903.1, NM_001353907.1 and 4 more transcripts); c.727-3C>T (NM_001353899.1, NM_001353902.1); c.724-3C>T (NM_001353900.1); c.649-3C>T (NM_001353901.1, NM_001367621.1); c.433-3C>T (NM_031303.3).
Identifiers: ClinVar variation 588292 (VCV000588292.33), dbSNP rs117367547, ClinGen allele CA8955042.